The following is an entry in ClinVar:

NM_018136.5(ASPM):c.6568C>T (p.Gln2190Ter)

Gene: ASPM (assembly factor for spindle microtubules; minus strand). Cytogenetic location: 1q31.3.
Variant type: single nucleotide variant.
Coding change: c.6568C>T on transcript NM_018136.5 (MANE Select); coding-DNA position 6568, C replaced by T.
Protein change: p.Gln2190Ter; replaces glutamine 2190 with a stop codon.
Molecular consequence: nonsense. On other transcripts: intron variant (1).
Genome position (GRCh38, 1-based): chr1:197,102,683, G>A on the plus strand (C>T on the coding strand, the complement: ASPM is on the minus strand). VCF-style: chr1-197102683-G-A. GRCh37 (hg19) VCF-style: chr1-197071813-G-A.
Other names: c.4066-6519C>T (NM_001206846.2); short protein forms Q2190*.
Identifiers: ClinVar variation 523815 (VCV000523815.9), dbSNP rs199910503, ClinGen allele CA1309568.

ClinVar aggregate classification (germline): Pathogenic. Review status: criteria provided, multiple submitters, no conflicts (2 of 4 stars). 5 submissions from 5 submitters: Pathogenic (5). Last evaluated 2026-05-18.

Conditions:
Autosomal recessive primary microcephaly. Identifiers: Orphanet 2512, MedGen C3711387, MONDO:0016660.
Microcephaly 5, primary, autosomal recessive (MCPH5). Also called: ASPM Primary Microcephaly. Identifiers: Orphanet 2512, MedGen C1837501, MONDO:0012106, OMIM 608716.

Allele frequency attached by ClinVar (database versions not stated): gnomAD exomes 0.00001; ExAC 0.00002; gnomAD 0.00003 and 0.00004; TOPMed 0.00004; ESP Exome Variant Server 0.00008.
gnomAD v4.1: 13 of 1,612,508 alleles (0.00081%); highest among the groups gnomAD compares: African/African-American, 0.0013%; no homozygotes.

Submissions (5):

Women's Health and Genetics/Laboratory Corporation of America, LabCorp
Classification: Pathogenic for Autosomal recessive primary microcephaly. Last evaluated: 2026-05-18. Review status: criteria provided, single submitter. Criteria: LabCorp Variant Classification Summary - May 2015. Collection method: clinical testing. Allele origin: germline.
Comment: Variant summary: ASPM c.6568C>T (p.Gln2190X) results in a premature termination codon, predicted to cause a truncation of the encoded protein or absence of the protein due to nonsense mediated decay, which are commonly known mechanisms for disease. The variant allele was found at a frequency of 8e-06 in 249670 control chromosomes. c.6568C>T has been observed in individual(s) affected with ASPM-related conditions (e.g. Letard_2018). These report(s) do not provide unequivocal conclusions about association of the variant with disease. To our knowledge, no experimental evidence demonstrating an impact on protein function has been reported. The following publication has been ascertained in the context of this evaluation (PMID: 29243349). ClinVar contains an entry for this variant (Variation ID: 523815). Based on the evidence outlined above, the variant was classified as pathogenic.

Labcorp Genetics (formerly Invitae), Labcorp
Classification: Pathogenic. Last evaluated: 2025-05-22. Review status: criteria provided, single submitter. Criteria: Invitae Variant Classification Sherloc (09022015). Collection method: clinical testing. Allele origin: germline.
Comment: This sequence change creates a premature translational stop signal (p.Gln2190*) in the ASPM gene. It is expected to result in an absent or disrupted protein product. Loss-of-function variants in ASPM are known to be pathogenic (PMID: 19028728, 23611254). This variant is present in population databases (rs199910503, gnomAD 0.002%). This premature translational stop signal has been observed in individual(s) with autosomal recessive primary microcephaly (PMID: 29243349). ClinVar contains an entry for this variant (Variation ID: 523815). For these reasons, this variant has been classified as Pathogenic.

GeneDx
Classification: Pathogenic. Last evaluated: 2023-12-13. Review status: criteria provided, single submitter. Criteria: GeneDx Variant Classification Process June 2021. Collection method: clinical testing. Allele origin: germline. Affected: yes.
Comment: Reported in multiple individuals with MCPH, primary microcephaly with cortical malformation, or microcephalic primordial dwarfism, who also harbored a second ASPM variant; however phase was undetermined (PMID: 29243349); Nonsense variant predicted to result in protein truncation or nonsense mediated decay in a gene for which loss of function is a known mechanism of disease; Not observed at significant frequency in large population cohorts (gnomAD); This variant is associated with the following publications: (PMID: 29243349)

Genome-Nilou Lab
Classification: Pathogenic for Microcephaly 5, primary, autosomal recessive. Last evaluated: 2023-04-11. Review status: criteria provided, single submitter. Criteria: ACMG Guidelines, 2015. Collection method: clinical testing. Allele origin: germline. Affected: no.

Fulgent Genetics
Classification: Pathogenic for Microcephaly 5, primary, autosomal recessive. Last evaluated: 2018-10-31. Review status: criteria provided, single submitter. Criteria: ACMG Guidelines, 2015. Collection method: clinical testing. Allele origin: unknown.

Literature cited by the submitters: PubMed 29243349 (cited by Women's Health and Genetics/Laboratory Corporation of America, LabCorp and Labcorp Genetics (formerly Invitae), Labcorp); PubMed 19028728 (cited by Labcorp Genetics (formerly Invitae), Labcorp); PubMed 23611254 (cited by Labcorp Genetics (formerly Invitae), Labcorp).